The following is an entry in ClinVar:

ClinVar aggregate classification (germline): Likely pathogenic. Review status: criteria provided, single submitter (1 of 4 stars). 2 submissions from 2 submitters: Likely pathogenic (1). 1 of the submissions does not count toward it. Last evaluated 2020-06-10.

Conditions:
Arrhythmogenic cardiomyopathy with variable ectodermal abnormalities (ARCME). Identifiers: MedGen C5882696, MONDO:0957795, OMIM 620519.
Primary dilated cardiomyopathy (DCM). Also called: Dilated Cardiomyopathy. Identifiers: Orphanet 217604, MedGen C0007193, MeSH D002311, MONDO:0005021, HP:0001644. Inheritance: Various modes of inheritance.

Submissions (2):

Exeter Genomics Laboratory, Royal Devon University Healthcare NHS Foundation Trust
Classification: Likely pathogenic for Primary dilated cardiomyopathy. Last evaluated: 2020-06-10. Review status: criteria provided, single submitter. Criteria: ACMG Guidelines, 2015. Collection method: clinical testing. Allele origin: germline. Affected: yes.
Comment: This variant, NM_001142502.1:c.1610del, was found in compound heterozygosity with the likely pathogenic variant NM_001142502.1:c.2486_2487delinsTC.

OMIM
Classification: Pathogenic for ARRHYTHMOGENIC CARDIOMYOPATHY WITH VARIABLE ECTODERMAL ABNORMALITIES. Last evaluated: 2023-09-26. Review status: no assertion criteria provided. Collection method: literature only. Allele origin: germline. Not counted in ClinVar's aggregate classification.

Literature cited by the submitters: PubMed 32666529 (cited by OMIM).

NM_006663.4(PPP1R13L):c.1610del (p.Pro537fs)

Gene: PPP1R13L (protein phosphatase 1 regulatory subunit 13 like; minus strand). Cytogenetic location: 19q13.32.
Variant type: Deletion.
Coding change: c.1610del on transcript NM_006663.4 (MANE Select); coding-DNA position 1610, one base deleted (C; older notation c.1610delC).
Protein change: p.Pro537fs; shifts the reading frame from proline 537.
Molecular consequence: frameshift variant.
Genome position (GRCh38, 1-based): chr19:45,392,085, G deleted on the plus strand (C on the coding strand, the reverse complement: PPP1R13L is on the minus strand); the first of 5 consecutive G bases (chr19:45,392,085-45,392,089); deleting any one gives the same sequence. VCF-style (leftmost placement, unchanged base first): chr19-45392084-AG-A. GRCh37 (hg19) VCF-style: chr19-45895342-AG-A.
Other names: c.1610del, p.Pro537fs (NM_001142502.2); short protein forms P537fs.
Identifiers: ClinVar variation 974804 (VCV000974804.2), dbSNP rs1972986097, ClinGen allele CA1139666482.